The following is an entry in ClinVar:

ClinVar aggregate classification (germline): Uncertain significance (1 of 4 stars; one submission).

Conditions:
Inborn genetic diseases. Identifiers: MedGen C0950123, MeSH D030342.

gnomAD v4.1: 8 of 1,611,332 alleles (0.0005%); highest among the groups gnomAD compares: Non-Finnish European, 0.00068%; no homozygotes.

Submission:

Ambry Genetics
Classification: Uncertain significance for Inborn genetic diseases. Last evaluated: 2024-12-25. Review status: criteria provided, single submitter. Criteria: Ambry Variant Classification Scheme 2023. Collection method: clinical testing. Allele origin: germline.
Comment: The p.M846V variant (also known as c.2536A>G), located in coding exon 12 of the BMPR2 gene, results from an A to G substitution at nucleotide position 2536. The methionine at codon 846 is replaced by valine, an amino acid with highly similar properties. This amino acid position is conserved. In addition, the in silico prediction for this alteration is inconclusive. Based on the available evidence, the clinical significance of this variant remains unclear.

NM_001204.7(BMPR2):c.2536A>G (p.Met846Val)

Gene: BMPR2 (bone morphogenetic protein receptor type 2; plus strand). Cytogenetic location: 2q33.2.
Variant type: single nucleotide variant.
Coding change: c.2536A>G on transcript NM_001204.7 (MANE Select); coding-DNA position 2536, A replaced by G.
Protein change: p.Met846Val; replaces methionine 846 with valine.
Molecular consequence: missense variant.
Genome position (GRCh38, 1-based): chr2:202,556,201, A>G. VCF-style: chr2-202556201-A-G. GRCh37 (hg19) VCF-style: chr2-203420924-A-G.
Other names: short protein forms M846V.
Identifiers: ClinVar variation 3824782 (VCV003824782.1).
Genomic context (GRCh38, chr2:202,556,201, plus strand): 5'-GCCAATGGGACAGTACTATCTGGCCAAACAACCAACATAGTGACACATAGGGCCCAAGAA[A>G]TGTTGCAGAATCAGTTTATTGGTGAGGACACCCGGCTGAATATTAATTCCAGTCCTGATG-3'
Protein context (NP_001195.2, residues 836-856): TNIVTHRAQE[Met846Val]LQNQFIGEDT